The following is an entry in ClinVar:

NM_012330.4(KAT6B):c.1365T>G (p.Ile455Met)

Gene: KAT6B (lysine acetyltransferase 6B; plus strand). Cytogenetic location: 10q22.2.
Variant type: single nucleotide variant.
Coding change: c.1365T>G on transcript NM_012330.4 (MANE Select); coding-DNA position 1365, T replaced by G.
Protein change: p.Ile455Met; replaces isoleucine 455 with methionine.
Molecular consequence: missense variant. On other transcripts: intron variant (11).
Genome position (GRCh38, 1-based): chr10:74,975,702, T>G. VCF-style: chr10-74975702-T-G. GRCh37 (hg19) VCF-style: chr10-76735460-T-G.
Other names: c.1365T>G, p.Ile455Met (NM_001256468.2, NM_001370136.1, NM_001370137.1 and 1 more transcripts); c.1117+248T>G (NM_001370139.1, NM_001370140.1, NM_001370141.1 and 3 more transcripts); c.846+5927T>G (NM_001370133.1); c.193-3522T>G (NM_001370134.1); c.929-1614T>G (NM_001370143.1, NM_001370144.1); c.193-13317T>G (NM_001370135.1); short protein forms I455M.
Identifiers: ClinVar variation 2499763 (VCV002499763.1), dbSNP rs2548952936, ClinGen allele CA377286040.

ClinVar aggregate classification (germline): Uncertain significance (1 of 4 stars; one submission).

Submission:

GeneDx
Classification: Uncertain significance. Last evaluated: 2022-10-21. Review status: criteria provided, single submitter. Criteria: GeneDx Variant Classification Process June 2021. Collection method: clinical testing. Allele origin: germline. Affected: yes.
Comment: Not observed at significant frequency in large population cohorts (gnomAD); In silico analysis supports that this missense variant does not alter protein structure/function; Has not been previously published as pathogenic or benign to our knowledge